The following is an entry in ClinVar:

NM_000038.6(APC):c.835-4090G>T

Gene: APC (APC regulator of WNT signaling pathway; plus strand). Cytogenetic location: 5q22.2.
Variant type: single nucleotide variant.
Coding change: c.835-4090G>T on transcript NM_000038.6 (MANE Select); 4090 bases into the intron before coding-DNA position 835, G replaced by T.
Molecular consequence: intron variant.
Genome position (GRCh38, 1-based): chr5:112,811,405, G>T. VCF-style: chr5-112811405-G-T. GRCh37 (hg19) VCF-style: chr5-112147102-G-T.
Other names: c.835-4090G>T (NM_001354895.2, NM_001127510.3, NM_001354896.2 and 1 more transcripts); c.865-4090G>T (NM_001354897.2, NM_001354902.2); c.781-4090G>T (NM_001127511.3); c.760-4090G>T (NM_001354898.2, NM_001354904.2); c.-16+1094G>T (NM_001354906.2); c.751-4090G>T (NM_001354899.2); c.658-4090G>T (NM_001354900.2, NM_001354901.2, NM_001354905.2).
Identifiers: ClinVar variation 83085 (VCV000083085.2), dbSNP rs76319409, ClinGen allele CA015182.

ClinVar aggregate classification (germline): other (0 of 4 stars; one submission).

Conditions:
Familial colorectal cancer. Identifiers: MedGen CN280943, MONDO:0023113. Disease mechanism: loss of function.

Submission:

Systems Biology Platform Zhejiang California International NanoSystems Institute
Classification: other for Familial colorectal cancer. Review status: no assertion criteria provided. Collection method: not provided. Allele origin: unknown.
ClinVar note: Converted during submission from cancer to other.